The following is an entry in ClinVar:

ClinVar aggregate classification (germline): Uncertain significance. Review status: criteria provided, multiple submitters, no conflicts (2 of 4 stars). 2 submissions from 2 submitters: Uncertain significance (2). Last evaluated 2024-12-20.

Conditions:
Inborn genetic diseases. Identifiers: MedGen C0950123, MeSH D030342.

Allele frequency attached by ClinVar (database versions not stated): gnomAD 0.00001; ExAC 0.00002; TOPMed 0.00002; gnomAD exomes 0.00004.

Submissions (3):

Ambry Genetics
Classification: Uncertain significance for Inborn genetic diseases. Last evaluated: 2024-12-20. Review status: criteria provided, single submitter. Criteria: Ambry Variant Classification Scheme 2023. Collection method: clinical testing. Allele origin: germline.

Labcorp Genetics (formerly Invitae), Labcorp
Classification: Uncertain significance. Last evaluated: 2024-12-16. Review status: criteria provided, single submitter. Criteria: Invitae Variant Classification Sherloc (09022015). Collection method: clinical testing. Allele origin: germline.
Comment: This sequence change replaces alanine, which is neutral and non-polar, with valine, which is neutral and non-polar, at codon 50 of the CD59 protein (p.Ala50Val). This variant is present in population databases (rs759088791, gnomAD 0.009%). This variant has not been reported in the literature in individuals affected with CD59-related conditions. ClinVar contains an entry for this variant (Variation ID: 1399706). An algorithm developed to predict the effect of missense changes on protein structure and function outputs the following: PolyPhen-2: "Benign". The valine amino acid residue is found in multiple mammalian species, which suggests that this missense change does not adversely affect protein function. In summary, the available evidence is currently insufficient to determine the role of this variant in disease. Therefore, it has been classified as a Variant of Uncertain Significance.

Dr. Peter K. Rogan Lab, Western University
No classification provided (evidence only). Condition: Uterine corpus endometrial carcinoma. Review status: no classification provided. Collection method: in vitro. Allele origin: not applicable. Functional consequence: retained intron. Not counted in ClinVar's aggregate classification.

NM_000611.6(CD59):c.149C>T (p.Ala50Val)

Gene: CD59 (CD59 molecule (CD59 blood group); minus strand). Cytogenetic location: 11p13.
Variant type: single nucleotide variant.
Coding change: c.149C>T on transcript NM_000611.6 (MANE Select); coding-DNA position 149, C replaced by T.
Protein change: p.Ala50Val; replaces alanine 50 with valine.
Molecular consequence: missense variant.
Genome position (GRCh38, 1-based): chr11:33,717,390, G>A on the plus strand (C>T on the coding strand, the complement: CD59 is on the minus strand). VCF-style: chr11-33717390-G-A. GRCh37 (hg19) VCF-style: chr11-33738936-G-A.
Other names: c.149C>T, p.Ala50Val (NM_001127223.1, NM_001127225.2, NM_001127226.2 and 4 more transcripts); short protein forms A50V.
Identifiers: ClinVar variation 1399706 (VCV001399706.10), dbSNP rs759088791, ClinGen allele CA5940763.